The following is an entry in ClinVar:

ClinVar aggregate classification (germline): Uncertain significance (1 of 4 stars; one submission).

Conditions:
Immunodeficiency 37 (IMD37). Identifiers: MedGen C4015195, MONDO:0014491, OMIM 616098.

Allele frequency attached by ClinVar (database versions not stated): gnomAD 0.00001.
gnomAD v4.1: 1 of 1,602,452 alleles (0.000062%); highest among the groups gnomAD compares: Admixed American, 0.0018%; no homozygotes.

Submission:

Labcorp Genetics (formerly Invitae), Labcorp
Classification: Uncertain significance for Immunodeficiency 37. Last evaluated: 2024-11-04. Review status: criteria provided, single submitter. Criteria: Invitae Variant Classification Sherloc (09022015). Collection method: clinical testing. Allele origin: germline.
Comment: This sequence change replaces isoleucine, which is neutral and non-polar, with valine, which is neutral and non-polar, at codon 109 of the BCL10 protein (p.Ile109Val). This variant is present in population databases (no rsID available, gnomAD 0.1%). This variant has not been reported in the literature in individuals affected with BCL10-related conditions. ClinVar contains an entry for this variant (Variation ID: 1347618). An algorithm developed to predict the effect of missense changes on protein structure and function (PolyPhen-2) suggests that this variant is likely to be tolerated. In summary, the available evidence is currently insufficient to determine the role of this variant in disease. Therefore, it has been classified as a Variant of Uncertain Significance.

NM_003921.5(BCL10):c.325A>G (p.Ile109Val)

Gene: BCL10 (BCL10 immune signaling adaptor; minus strand). Cytogenetic location: 1p22.3.
Variant type: single nucleotide variant.
Coding change: c.325A>G on transcript NM_003921.5 (MANE Select); coding-DNA position 325, A replaced by G.
Protein change: p.Ile109Val; replaces isoleucine 109 with valine.
Molecular consequence: missense variant.
Genome position (GRCh38, 1-based): chr1:85,270,639, T>C on the plus strand (A>G on the coding strand, the complement: BCL10 is on the minus strand). VCF-style: chr1-85270639-T-C. GRCh37 (hg19) VCF-style: chr1-85736322-T-C.
Other names: c.325A>G, p.Ile109Val (NM_001320715.2); short protein forms I109V.
Identifiers: ClinVar variation 1347618 (VCV001347618.8), dbSNP rs1437336153, ClinGen allele CA340951027.
Genomic context (GRCh38, chr1:85,270,639, plus strand): 5'-TACATTTAAATTAGCTCTTAGATAATTAAGATATCTTACCTTTCAGATGTTCTAGTTTTA[T>C]ATTTCTAAGTTTCAGCACTTCATCTGTAATCTTCTGTATCAGGAAGTTCTGTGTTTTTTC-3'
Protein context (NP_003912.1, residues 99-119): ITDEVLKLRN[Ile109Val]KLEHLKGLKC